The following is an entry in ClinVar:

NM_001394372.1(BICRA):c.4628C>T (p.Ala1543Val)

Gene: BICRA (BRD4 interacting chromatin remodeling complex associated protein; plus strand). Cytogenetic location: 19q13.33.
Variant type: single nucleotide variant.
Coding change: c.4628C>T on transcript NM_001394372.1 (MANE Select); coding-DNA position 4628, C replaced by T.
Protein change: p.Ala1543Val; replaces alanine 1543 with valine.
Molecular consequence: missense variant.
Genome position (GRCh38, 1-based): chr19:47,702,360, C>T. VCF-style: chr19-47702360-C-T. GRCh37 (hg19) VCF-style: chr19-48205617-C-T.
Other names: c.4628C>T, p.Ala1543Val (NM_015711.3); short protein forms A1543V.
Identifiers: ClinVar variation 3376010 (VCV003376010.2).

ClinVar aggregate classification (germline): Uncertain significance (1 of 4 stars; one submission).

Submission:

GeneDx
Classification: Uncertain significance. Last evaluated: 2025-06-09. Review status: criteria provided, single submitter. Criteria: GeneDx Variant Classification Process June 2021. Collection method: clinical testing. Allele origin: germline.
Comment: Not observed at significant frequency in large population cohorts (gnomAD); In silico analysis suggests that this missense variant does not alter protein structure/function; Has not been previously published as pathogenic or benign to our knowledge